The following is an entry in ClinVar:

ClinVar aggregate classification (germline): Uncertain significance. Review status: criteria provided, multiple submitters, no conflicts (2 of 4 stars). 8 submissions from 8 submitters: Uncertain significance (8). Last evaluated 2024-11-19.

Conditions:
SLX4-related disorder. Also called: SLX4-related condition.
Fanconi anemia complementation group P. Also called: SLX4-Related Fanconi Anemia. Identifiers: Orphanet 84, MedGen C3469542, MONDO:0013499, OMIM 613951.
Fanconi anemia (FA). Also called: Fanconi's anemia. Identifiers: Orphanet 84, MedGen C0015625, MeSH D005199, MONDO:0019391.

Allele frequency attached by ClinVar (database versions not stated): gnomAD exomes 0.00006 and 0.00007; ExAC 0.00007; ESP Exome Variant Server 0.00023; TOPMed 0.00025; gnomAD 0.00028 and 0.00030.
gnomAD v4.1: 140 of 1,614,058 alleles (0.0087%); highest among the groups gnomAD compares: African/African-American, 0.084%; no homozygotes.

Submissions (8):

Blueprint Genetics
Classification: Uncertain significance. Last evaluated: 2024-11-19. Review status: criteria provided, single submitter. Criteria: ACMG Guidelines, 2015. Collection method: clinical testing. Allele origin: germline.

Women's Health and Genetics/Laboratory Corporation of America, LabCorp
Classification: Uncertain significance. Last evaluated: 2024-04-02. Review status: criteria provided, single submitter. Criteria: LabCorp Variant Classification Summary - May 2015. Collection method: clinical testing. Allele origin: germline.
Comment: Variant summary: SLX4 c.2585G>A (p.Arg862Gln) results in a conservative amino acid change in the encoded protein sequence. Three of five in-silico tools predict a damaging effect of the variant on protein function. The variant allele was found at a frequency of 6e-05 in 251400 control chromosomes. This frequency does not allow for any conclusion about variant significance. c.2585G>A has been reported in the literature in at least one individual meeting criteria for hereditary breast and ovarian cancer, where it was classified as a VUS by the authors (e.g. Oliver_2019). This report does not provide unequivocal conclusions about association of the variant with Fanconi Anemia. To our knowledge, no experimental evidence demonstrating an impact on protein function has been reported. The following publication have been ascertained in the context of this evaluation (PMID: 31921681). ClinVar contains an entry for this variant (Variation ID: 319165). Based on the evidence outlined above, the variant was classified as uncertain significance.

PreventionGenetics, part of Exact Sciences
Classification: Uncertain significance for SLX4-related condition. Last evaluated: 2023-09-06. Review status: criteria provided, single submitter. Criteria: ACMG Guidelines, 2015. Collection method: clinical testing. Allele origin: germline.
Comment: The SLX4 c.2585G>A variant is predicted to result in the amino acid substitution p.Arg862Gln. To our knowledge, this variant has not been reported in the literature. This variant is reported in 0.080% of alleles in individuals of African descent in gnomAD. Although we suspect that this variant may be benign, at this time, the clinical significance of this variant is uncertain due to the absence of conclusive functional and genetic evidence.

Labcorp Genetics (formerly Invitae), Labcorp
Classification: Uncertain significance for Fanconi anemia. Last evaluated: 2022-08-02. Review status: criteria provided, single submitter. Criteria: Invitae Variant Classification Sherloc (09022015). Collection method: clinical testing. Allele origin: germline.
Comment: This sequence change replaces arginine, which is basic and polar, with glutamine, which is neutral and polar, at codon 862 of the SLX4 protein (p.Arg862Gln). This variant is present in population databases (rs143558209, gnomAD 0.08%). This variant has not been reported in the literature in individuals affected with SLX4-related conditions. ClinVar contains an entry for this variant (Variation ID: 319165). Algorithms developed to predict the effect of missense changes on protein structure and function are either unavailable or do not agree on the potential impact of this missense change (SIFT: "Deleterious"; PolyPhen-2: "Probably Damaging"; Align-GVGD: "Class C0"). In summary, the available evidence is currently insufficient to determine the role of this variant in disease. Therefore, it has been classified as a Variant of Uncertain Significance.

Center for Genomics, Ann and Robert H. Lurie Children's Hospital of Chicago
Classification: Uncertain significance for Fanconi anemia complementation group P. Last evaluated: 2022-07-07. Review status: criteria provided, single submitter. Criteria: ACMG Guidelines, 2015. Collection method: clinical testing. Allele origin: germline.
Comment: This variant has not been reported in the literature in association with disease. This variant is present in the Genome Aggregation Database (Highest reported MAF: 0.09% [38/41460]), and is present in ClinVar, with multiple laboratories classifying it as of uncertain significance (Variation ID:319165). Evolutionary conservation and computational predictive tools suggest that this variant may not impact the protein. In summary, data on this variant is insufficient for disease classification. Therefore, the clinical significance of this variant is uncertain.

Fulgent Genetics
Classification: Uncertain significance for Fanconi anemia complementation group P. Last evaluated: 2022-03-18. Review status: criteria provided, single submitter. Criteria: ACMG Guidelines, 2015. Collection method: clinical testing. Allele origin: unknown.

Revvity Omics, Revvity
Classification: Uncertain significance for Fanconi anemia complementation group P. Last evaluated: 2019-12-04. Review status: criteria provided, single submitter. Criteria: ACMG Guidelines, 2015. Collection method: clinical testing. Allele origin: germline.

Illumina Laboratory Services, Illumina
Classification: Uncertain significance for Fanconi anemia complementation group P. Last evaluated: 2018-01-12. Review status: criteria provided, single submitter. Criteria: ICSL Variant Classification Criteria 13 December 2019. Collection method: clinical testing. Allele origin: germline.

Literature cited by the submitters: PubMed 31921681 (cited by Women's Health and Genetics/Laboratory Corporation of America, LabCorp).

NM_032444.4(SLX4):c.2585G>A (p.Arg862Gln)

Gene: SLX4 (SLX4 structure-specific endonuclease subunit; minus strand). Cytogenetic location: 16p13.3.
Variant type: single nucleotide variant.
Coding change: c.2585G>A on transcript NM_032444.4 (MANE Select); coding-DNA position 2585, G replaced by A.
Protein change: p.Arg862Gln; replaces arginine 862 with glutamine.
Molecular consequence: missense variant.
Genome position (GRCh38, 1-based): chr16:3,591,053, C>T on the plus strand (G>A on the coding strand, the complement: SLX4 is on the minus strand). VCF-style: chr16-3591053-C-T. GRCh37 (hg19) VCF-style: chr16-3641054-C-T.
Other names: c.2585G>A (NM_032444.3, LRG_503t1); short protein forms R862Q.
Identifiers: ClinVar variation 319165 (VCV000319165.14), dbSNP rs143558209, ClinGen allele CA7866127.